The following is an entry in ClinVar:

ClinVar aggregate classification (germline): Conflicting classifications of pathogenicity. Review status: criteria provided, conflicting classifications (1 of 4 stars). 5 submissions from 5 submitters: Pathogenic (2); Likely pathogenic (2); Uncertain significance (1). Last evaluated 2023-12-21.

Conditions:
Inborn genetic diseases. Identifiers: MedGen C0950123, MeSH D030342.
TUBB2B-related disorder. Also called: TUBB2B-related condition.

Submissions (5):

GeneDx
Classification: Pathogenic. Last evaluated: 2023-12-21. Review status: criteria provided, single submitter. Criteria: GeneDx Variant Classification Process June 2021. Collection method: clinical testing. Allele origin: germline. Affected: yes.
Comment: Published immunofluorescence staining of alpha-tubulin show decreased cytoskeleton resistance to cold treatment compared to controls (PMID: 20829227); Missense variants in this gene are a common cause of disease and they are underrepresented in the general population; In silico analysis supports that this missense variant has a deleterious effect on protein structure/function; Not observed at significant frequency in large population cohorts (gnomAD); This variant is associated with the following publications: (PMID: 9628483, 20829227, 22591407, 24860126)

PreventionGenetics, part of Exact Sciences
Classification: Uncertain significance for TUBB2B-related condition. Last evaluated: 2022-09-19. Review status: criteria provided, single submitter. Criteria: ACMG Guidelines, 2015. Collection method: clinical testing. Allele origin: germline.
Comment: The TUBB2B c.533C>T variant is predicted to result in the amino acid substitution p.Thr178Met. To our knowledge, this variant has not been reported in the literature or a large population database, indicating this variant is rare. Although we suspect that this variant may be pathogenic, at this time, the clinical significance of this variant is uncertain due to the absence of conclusive functional and genetic evidence.

Blueprint Genetics
Classification: Pathogenic for TUBB2B-related disorders. Last evaluated: 2021-06-15. Review status: criteria provided, single submitter. Criteria: ACMG Guidelines, 2015. Collection method: clinical testing. Allele origin: germline. Affected: yes. Observed: 1 variant allele.

Genetic Services Laboratory, University of Chicago
Classification: Likely pathogenic. Last evaluated: 2017-08-18. Review status: criteria provided, single submitter. Criteria: ACMG Guidelines, 2015. Collection method: clinical testing. Allele origin: germline. Affected: yes.

Ambry Genetics
Classification: Likely pathogenic for Inborn genetic diseases. Last evaluated: 2016-11-19. Review status: criteria provided, single submitter. Criteria: Ambry exome assertion method (8-5-2015). Collection method: clinical testing. Allele origin: germline. Affected: yes. Observed: 1 variant allele.

Literature cited by the submitters: PubMed 22591407 (cited by Ambry Genetics); PubMed 9628483 (cited by Ambry Genetics).

NM_178012.5(TUBB2B):c.533C>T (p.Thr178Met)

Gene: TUBB2B (tubulin beta 2B class IIb; minus strand). Cytogenetic location: 6p25.2.
Variant type: single nucleotide variant.
Coding change: c.533C>T on transcript NM_178012.5 (MANE Select); coding-DNA position 533, C replaced by T.
Protein change: p.Thr178Met; replaces threonine 178 with methionine.
Molecular consequence: missense variant.
Genome position (GRCh38, 1-based): chr6:3,225,556, G>A on the plus strand (C>T on the coding strand, the complement: TUBB2B is on the minus strand). VCF-style: chr6-3225556-G-A. GRCh37 (hg19) VCF-style: chr6-3225790-G-A.
Other names: short protein forms T178M.
Identifiers: ClinVar variation 378836 (VCV000378836.12), dbSNP rs1057520391, ClinGen allele CA16605035.
Genomic context (GRCh38, chr6:3,225,556, plus strand): 5'-TCATCTGTGTTTTCCACCAGCTGGTGGACCGAGAGGGTGGCGTTGTAGGGCTCCACCACC[G>A]TGTCTGACACCTTGGGTGAGGGCATGACGCTGAAGGTGTTCATGATGCGGTCTGGGTACT-3'
Protein context (NP_821080.1, residues 168-188): SVMPSPKVSD[Thr178Met]VVEPYNATLS